The following is an entry in ClinVar:

NM_000186.4(CFH):c.2095C>T (p.His699Tyr)

Gene: CFH (complement factor H; plus strand). Cytogenetic location: 1q31.3.
Variant type: single nucleotide variant.
Coding change: c.2095C>T on transcript NM_000186.4 (MANE Select); coding-DNA position 2095, C replaced by T.
Protein change: p.His699Tyr; replaces histidine 699 with tyrosine.
Molecular consequence: missense variant.
Genome position (GRCh38, 1-based): chr1:196,726,799, C>T. VCF-style: chr1-196726799-C-T. GRCh37 (hg19) VCF-style: chr1-196695929-C-T.
Other names: short protein forms H699Y.
Identifiers: ClinVar variation 2775953 (VCV002775953.3), dbSNP rs2529504564, ClinGen allele CA343989068.

ClinVar aggregate classification (germline): Uncertain significance (1 of 4 stars; one submission).

Submission:

Labcorp Genetics (formerly Invitae), Labcorp
Classification: Uncertain significance. Last evaluated: 2023-06-15. Review status: criteria provided, single submitter. Criteria: Invitae Variant Classification Sherloc (09022015). Collection method: clinical testing. Allele origin: germline.
Comment: In summary, the available evidence is currently insufficient to determine the role of this variant in disease. Therefore, it has been classified as a Variant of Uncertain Significance. Algorithms developed to predict the effect of missense changes on protein structure and function output the following: SIFT: "Not Available"; PolyPhen-2: "Possibly Damaging"; Align-GVGD: "Not Available". The tyrosine amino acid residue is found in multiple mammalian species, which suggests that this missense change does not adversely affect protein function. This variant has not been reported in the literature in individuals affected with CFH-related conditions. This variant is not present in population databases (gnomAD no frequency). This sequence change replaces histidine, which is basic and polar, with tyrosine, which is neutral and polar, at codon 699 of the CFH protein (p.His699Tyr).